The following is an entry in ClinVar:

ClinVar aggregate classification (germline): Likely pathogenic (1 of 4 stars; one submission).

Conditions:
Recessive dystrophic epidermolysis bullosa (RDEB). Also called: DYSTROPHIC EPIDERMOLYSIS BULLOSA, AUTOSOMAL RECESSIVE; EPIDERMOLYSIS BULLOSA DYSTROPHICA, HALLOPEAU-SIEMENS TYPE; Hallopeau-Siemens Disease; EPIDERMOLYSIS BULLOSA DYSTROPHICA, GENERALIZED SEVERE, AUTOSOMAL RECESSIVE; severe generalized recessive dystrophic epidermolysis bullosa; Epidermolysis Bullosa Distrophica Autosomal Recessive (RDEB). Identifiers: Orphanet 79408, Orphanet 79409, MedGen C0079474, MONDO:0009179, OMIM 226600.

Submission:

Molecular Genetics Department, Kulakov National Medical Research Center for Obstetrics, Gynecology and Perinatology
Classification: Likely pathogenic for Recessive dystrophic epidermolysis bullosa. Review status: criteria provided, single submitter. Criteria: ACMG Guidelines, 2015. Collection method: clinical testing. Allele origin: maternal. Affected: yes.
Comment: A previously undescribed nucleotide variant creates a frameshift p.Glu1451GlyfsTer15 in the COL7A1 gene. Homozygous and compound heterozygous variants are reported in patients with Epidermolysis bullosa dystrophica, autosomal recessive, 226600. The variant is not present in population database (gnomAD no frequency). In summary, the currently available evidence indicates that the variant is pathogenic, but additional data are needed to prove that conclusively. Therefore, this variant has been classified as likely pathogenic.

NM_000094.4(COL7A1):c.4350_4351del (p.Glu1451fs)

Gene: COL7A1 (collagen type VII alpha 1 chain; minus strand). Cytogenetic location: 3p21.31.
Variant type: Deletion.
Coding change: c.4350_4351del on transcript NM_000094.4 (MANE Select); coding-DNA positions 4350 to 4351, 2 bases deleted (TG; older notation c.4350_4351delTG).
Protein change: p.Glu1451fs; shifts the reading frame from glutamic acid 1451.
Molecular consequence: frameshift variant.
Genome position (GRCh38, 1-based): chr3:48,583,606-48,583,607, CA deleted on the plus strand (TG on the coding strand, the reverse complement: COL7A1 is on the minus strand). VCF-style (leftmost placement, unchanged base first): chr3-48583605-TCA-T. GRCh37 (hg19) VCF-style: chr3-48621038-TCA-T.
Other names: short protein forms E1451fs.
Identifiers: ClinVar variation 3062266 (VCV003062266.1), dbSNP rs2531148387, ClinGen allele CA2586972321.